The following is an entry in ClinVar:

ClinVar aggregate classification (germline): Likely benign (1 of 4 stars; one submission).

Allele frequency attached by ClinVar (database versions not stated): ESP Exome Variant Server 0.00008; 1000 Genomes Project 30x 0.00016; 1000 Genomes Project 0.00020; gnomAD 0.00026; ExAC 0.00041; TOPMed 0.00042; gnomAD exomes 0.00056.
gnomAD v4.1: 858 of 1,610,260 alleles (0.053%); highest among the groups gnomAD compares: Middle Eastern, 0.12%; 1 homozygote.

Submission:

CeGaT Center for Human Genetics Tuebingen
Classification: Likely benign. Last evaluated: 2024-02-01. Review status: criteria provided, single submitter. Criteria: CeGaT Center For Human Genetics Tuebingen Variant Classification Criteria Version 2. Collection method: clinical testing. Allele origin: germline. Affected: yes. Observed: 1 variant allele.
Comment: TTF2: BP4

NM_003594.4(TTF2):c.1784-7T>A

Gene: TTF2 (transcription termination factor 2; plus strand). Cytogenetic location: 1p13.1.
Variant type: single nucleotide variant.
Coding change: c.1784-7T>A on transcript NM_003594.4 (MANE Select); 7 bases into the intron before coding-DNA position 1784, T replaced by A.
Molecular consequence: intron variant.
Genome position (GRCh38, 1-based): chr1:117,081,821, T>A. VCF-style: chr1-117081821-T-A. GRCh37 (hg19) VCF-style: chr1-117624443-T-A.
Identifiers: ClinVar variation 3024802 (VCV003024802.22), dbSNP rs200744479, ClinGen allele CA1029249.